The following is an entry in ClinVar:

NM_001323289.2(CDKL5):c.758del (p.Asn253fs)

Gene: CDKL5 (cyclin dependent kinase like 5; plus strand). Cytogenetic location: Xp22.13.
Variant type: Deletion.
Coding change: c.758del on transcript NM_001323289.2 (MANE Select); coding-DNA position 758, one base deleted (A; older notation c.758delA).
Protein change: p.Asn253fs; shifts the reading frame from asparagine 253.
Molecular consequence: frameshift variant.
Genome position (GRCh38, 1-based): chrX:18,595,361, A deleted; the last of 2 consecutive A bases (chrX:18,595,360-18,595,361); deleting either gives the same sequence. VCF-style (leftmost placement, unchanged base first): chrX-18595359-TA-T. GRCh37 (hg19) VCF-style: chrX-18613479-TA-T.
Other names: c.758del, p.Asn253fs (NM_001037343.2, NM_003159.3); short protein forms N253fs.
Identifiers: ClinVar variation 3756339 (VCV003756339.2).
Genomic context (GRCh38, chrX:18,595,359, plus strand): 5'-CACATGTCCTTCCCCAAATGTTAACATTCCCTTTGTGTATGTCTCACAGTTTCCAGCTGT[TA>T]ACCATCCTCAGTCCTTGGAAAGAAGATACCTTGGAATTTTGAATAGTGTTCTACTTGACC-3'

ClinVar aggregate classification (germline): Pathogenic (1 of 4 stars; one submission).

Conditions:
Developmental and epileptic encephalopathy, 2 (DEE2). Also called: CDKL5 deficiency disorder; INFANTILE SPASM SYNDROME, X-LINKED 2. Identifiers: Orphanet 1934, Orphanet 3451, Orphanet 505652, MedGen C4750718, MONDO:0010396, OMIM 300672.
Angelman syndrome-like. Identifiers: MedGen CN128785.

Submission:

Labcorp Genetics (formerly Invitae), Labcorp
Classification: Pathogenic for Developmental and epileptic encephalopathy, 2; Angelman syndrome-like. Last evaluated: 2024-05-21. Review status: criteria provided, single submitter. Criteria: Invitae Variant Classification Sherloc (09022015). Collection method: clinical testing. Allele origin: germline.
Comment: This sequence change creates a premature translational stop signal (p.Asn253Thrfs*14) in the CDKL5 gene. It is expected to result in an absent or disrupted protein product. Loss-of-function variants in CDKL5 are known to be pathogenic (PMID: 22872100). This variant is not present in population databases (gnomAD no frequency). This variant has not been reported in the literature in individuals affected with CDKL5-related conditions. For these reasons, this variant has been classified as Pathogenic.

Literature cited by the submitters: PubMed 22872100.